The following is an entry in ClinVar:

ClinVar aggregate classification (germline): Uncertain significance (1 of 4 stars; one submission).

Submission:

Women's Health and Genetics/Laboratory Corporation of America, LabCorp
Classification: Uncertain significance. Last evaluated: 2025-06-03. Review status: criteria provided, single submitter. Criteria: LabCorp Variant Classification Summary - May 2015. Collection method: clinical testing. Allele origin: germline.
Comment: Variant summary: The variant involves the duplication of exons 1-2 in the MRPL36 gene. This duplication includes the entire coding sequence of the gene. As exact breakpoints are unknown, it may extend beyond the annotated region of the gene, to include other flanking genes. A presumed nomenclature of c.(?_-59)_(*239_?)dup has been designated for the purposes of this classification. The variant allele was found at a frequency of 9.2e-05 in 21694 control chromosomes. The available data on variant occurrences in the general population are insufficient to allow any conclusion about variant significance. To our knowledge, no occurrence of c.(?_-59)_(*239_?)dup in individuals affected with MRPL36-Related Disorders and no experimental evidence demonstrating its impact on protein function have been reported. No submitters have cited clinical-significance assessments for this variant to ClinVar. Based on the evidence outlined above, the variant was classified as uncertain significance.

NC_000005.9:g.(?_1798499)_(1799952_?)dup

Gene: MRPL36 (mitochondrial ribosomal protein L36; minus strand). Cytogenetic location: 5p15.33.
Variant type: Duplication.
Identifiers: ClinVar variation 3907440 (VCV003907440.1).